The following is an entry in ClinVar:

NM_000540.3(RYR1):c.1415A>G (p.Asn472Ser)

Gene: RYR1 (ryanodine receptor 1; plus strand). Cytogenetic location: 19q13.2.
Variant type: single nucleotide variant.
Coding change: c.1415A>G on transcript NM_000540.3 (MANE Select); coding-DNA position 1415, A replaced by G.
Protein change: p.Asn472Ser; replaces asparagine 472 with serine.
Molecular consequence: missense variant.
Genome position (GRCh38, 1-based): chr19:38,452,989, A>G. VCF-style: chr19-38452989-A-G. GRCh37 (hg19) VCF-style: chr19-38943629-A-G.
Other names: c.1415A>G, p.Asn472Ser (NM_001042723.2); short protein forms N472S.
Identifiers: ClinVar variation 373343 (VCV000373343.1), dbSNP rs1057518361, ClinGen allele CA16043094.

ClinVar aggregate classification (germline): Uncertain significance (1 of 4 stars; one submission).

Submission:

GeneDx
Classification: Uncertain significance. Last evaluated: 2016-12-09. Review status: criteria provided, single submitter. Criteria: GeneDx Variant Classification (06012015). Collection method: clinical testing. Allele origin: germline. Affected: yes.
Comment: The N472S variant in the RYR1 gene has not been reported previously as a pathogenic variant, nor as a benign variant, to our knowledge. The N472S variant was not observed in approximately 6500 individuals of European and African American ancestry in the NHLBI Exome Sequencing Project, indicating it is not a common benign variant in these populations. This substitution occurs at a position that is conserved across species. In silico analysis predicts this variant is probably damaging to the protein structure/function. However, the N472S variant is a conservative amino acid substitution, which is not likely to impact secondary protein structure as these residues share similar properties. Therefore, we interpret N472S as a variant of uncertain significance.